The following is an entry in ClinVar:

ClinVar aggregate classification (germline): Pathogenic/Likely pathogenic. Review status: criteria provided, multiple submitters, no conflicts (2 of 4 stars). 3 submissions from 3 submitters: Pathogenic (2); Likely pathogenic (1). Last evaluated 2024-11-01.

Conditions:
COL4A4-related disorder.
Alport syndrome. Also called: Hemorrhagic familial nephritis; Hemorrhagic hereditary nephritis; Congenital hereditary hematuria. Identifiers: Orphanet 63, MedGen C1567741, MONDO:0018965.

Submissions (3):

Myriad Genetics, Inc.
Classification: Pathogenic for Alport syndrome. Last evaluated: 2024-11-01. Review status: criteria provided, single submitter. Criteria: Myriad Autosomal Dominant, Autosomal Recessive and X-Linked Classification Criteria (2023). Collection method: clinical testing. Allele origin: unknown.
Comment: NM_000092.4(COL4A4):c.77_78delTT(L26Hfs*34) is expected to be pathogenic in the context of Alport syndrome, COL4A4-related. This variant is predicted to lead to an abnormal or absent protein product due to the creation of a premature termination codon in COL4A4, a gene where loss-of-function variants are known to be pathogenic. Please note: this variant was assessed in the context of healthy population screening.

Blueprint Genetics
Classification: Likely pathogenic for COL4A4-related disorders. Last evaluated: 2024-05-03. Review status: criteria provided, single submitter. Criteria: ACMG Guidelines, 2015. Collection method: clinical testing. Allele origin: germline. Affected: yes. Observed: 1 variant allele.

Labcorp Genetics (formerly Invitae), Labcorp
Classification: Pathogenic. Last evaluated: 2023-03-04. Review status: criteria provided, single submitter. Criteria: Invitae Variant Classification Sherloc (09022015). Collection method: clinical testing. Allele origin: germline.
Comment: This sequence change creates a premature translational stop signal (p.Leu26Hisfs*34) in the COL4A4 gene. It is expected to result in an absent or disrupted protein product. Loss-of-function variants in COL4A4 are known to be pathogenic (PMID: 21196518, 24854265, 25307543). This variant is not present in population databases (gnomAD no frequency). This variant has not been reported in the literature in individuals affected with COL4A4-related conditions. For these reasons, this variant has been classified as Pathogenic.

Literature cited by the submitters: PubMed 21196518 (cited by Labcorp Genetics (formerly Invitae), Labcorp); PubMed 24854265 (cited by Labcorp Genetics (formerly Invitae), Labcorp); PubMed 25307543 (cited by Labcorp Genetics (formerly Invitae), Labcorp).

NM_000092.5(COL4A4):c.77_78del (p.Leu26fs)

Gene: COL4A4 (collagen type IV alpha 4 chain; minus strand). Cytogenetic location: 2q36.3.
Variant type: Deletion.
Coding change: c.77_78del on transcript NM_000092.5 (MANE Select); coding-DNA positions 77 to 78, 2 bases deleted (TT; older notation c.77_78delTT).
Protein change: p.Leu26fs; shifts the reading frame from leucine 26.
Molecular consequence: frameshift variant.
Genome position (GRCh38, 1-based): chr2:227,144,552-227,144,553, AA deleted on the plus strand (TT on the coding strand, the reverse complement: COL4A4 is on the minus strand). VCF-style (leftmost placement, unchanged base first): chr2-227144551-TAA-T. GRCh37 (hg19) VCF-style: chr2-228009267-TAA-T.
Other names: short protein forms L26fs.
Identifiers: ClinVar variation 2843072 (VCV002843072.5), dbSNP rs2477162429, ClinGen allele CA2739280101.
Genomic context (GRCh38, chr2:227,144,551, plus strand): 5'-AACCAGAGCTAGTGAATGTACTTACCCCATATACATATTGTACAGAAAAGAGAATGAGTA[TAA>T]GTGACCTACAGAAAAACAAAAACGCAGATTAATTTAAACAGTTTCTTTTCATGTGAAACA-3'